The following is an entry in ClinVar:

ClinVar aggregate classification (germline): Uncertain significance (1 of 4 stars; one submission).

Conditions:
Epidermolysis bullosa simplex with nail dystrophy (EBS5D). Identifiers: MedGen C4225309, MONDO:0014661, OMIM 616487.
Autosomal recessive limb-girdle muscular dystrophy type 2Q (LGMDR17). Also called: MUSCULAR DYSTROPHY, LIMB-GIRDLE, AUTOSOMAL RECESSIVE 17. Identifiers: Orphanet 254361, MedGen C3150989, MONDO:0013390, OMIM 613723.
Epidermolysis bullosa simplex 5B, with muscular dystrophy (EBS5B). Also called: Epidermolysis bullosa simplex with muscular dystrophy; EPIDERMOLYSIS BULLOSA SIMPLEX AND LIMB-GIRDLE MUSCULAR DYSTROPHY. Identifiers: Orphanet 257, MedGen C2931072, MONDO:0009181, OMIM 226670.
Epidermolysis bullosa simplex 5C, with pyloric atresia (EBS5C). Also called: PLEC-Related Epidermolysis Bullosa with Pyloric Atresia; Epidermolysis bullosa simplex with pyloric atresia; PLEC1-Related Epidermolysis Bullosa with Pyloric Atresia. Identifiers: Orphanet 158684, MedGen C2677349, MONDO:0012807, OMIM 612138.
Epidermolysis bullosa simplex, Ogna type (EBS5A). Also called: Pidermolysis bullosa simplex 5A, Ogna type; EPIDERMOLYSIS BULLOSA SIMPLEX 5A, OGNA TYPE. Identifiers: Orphanet 79401, MedGen C0432317, MONDO:0007555, OMIM 131950.

Submission:

Labcorp Genetics (formerly Invitae), Labcorp
Classification: Uncertain significance for Autosomal recessive limb-girdle muscular dystrophy type 2Q; Epidermolysis bullosa simplex, Ogna type; Epidermolysis bullosa simplex with nail dystrophy; Epidermolysis bullosa simplex 5C, with pyloric atresia; Epidermolysis bullosa simplex 5B, with muscular dystrophy. Last evaluated: 2024-05-04. Review status: criteria provided, single submitter. Criteria: Invitae Variant Classification Sherloc (09022015). Collection method: clinical testing. Allele origin: germline.
Comment: This sequence change replaces phenylalanine, which is neutral and non-polar, with isoleucine, which is neutral and non-polar, at codon 171 of the PLEC protein (p.Phe171Ile). This variant is not present in population databases (gnomAD no frequency). This variant has not been reported in the literature in individuals affected with PLEC-related conditions. Experimental studies and prediction algorithms are not available or were not evaluated, and the functional significance of this variant is currently unknown. In summary, the available evidence is currently insufficient to determine the role of this variant in disease. Therefore, it has been classified as a Variant of Uncertain Significance.

NM_201384.3(PLEC):c.430T>A (p.Phe144Ile)

Gene: PLEC (plectin; minus strand). Cytogenetic location: 8q24.3.
Variant type: single nucleotide variant.
Coding change: c.430T>A on transcript NM_201384.3 (MANE Select); coding-DNA position 430, T replaced by A.
Protein change: p.Phe144Ile; replaces phenylalanine 144 with isoleucine.
Molecular consequence: missense variant.
Genome position (GRCh38, 1-based): chr8:143,936,984, A>T on the plus strand (T>A on the coding strand, the complement: PLEC is on the minus strand). VCF-style: chr8-143936984-A-T. GRCh37 (hg19) VCF-style: chr8-145011152-A-T.
Other names: c.511T>A, p.Phe171Ile (NM_000445.5, NM_001410941.1); c.388T>A, p.Phe130Ile (NM_201378.4); c.364T>A, p.Phe122Ile (NM_201379.3); c.841T>A, p.Phe281Ile (NM_201380.4); c.334T>A, p.Phe112Ile (NM_201381.3); c.430T>A, p.Phe144Ile (NM_201382.4); c.442T>A, p.Phe148Ile (NM_201383.3); short protein forms F112I, F122I, F130I, F144I, F148I, F171I, F281I.
Identifiers: ClinVar variation 3748823 (VCV003748823.2).